The following is an entry in ClinVar:

ClinVar aggregate classification (germline): Conflicting classifications of pathogenicity. Review status: criteria provided, conflicting classifications (1 of 4 stars). 8 submissions from 7 submitters: Uncertain significance (5); Benign (1). 2 of the submissions do not count toward it. Last evaluated 2025-12-15.

Conditions:
Hereditary spastic paraplegia. Also called: Familial spastic paraparesis. Identifiers: Orphanet 685, MedGen C0037773, MONDO:0019064. Disease mechanism: loss of function.
Amyotrophic lateral sclerosis type 4 (ALS4). Also called: AMYOTROPHIC LATERAL SCLEROSIS 4, JUVENILE; NEURONOPATHY, DISTAL HEREDITARY MOTOR, WITH PYRAMIDAL FEATURES. Identifiers: Orphanet 357043, MedGen C1865409, MONDO:0011223, OMIM 602433.
Spinocerebellar ataxia, autosomal recessive, with axonal neuropathy 2 (SCAN2). Also called: ATAXIA-OCULOMOTOR APRAXIA 2; Ataxia with Oculomotor Apraxia Type 2; Ataxia with Oculomotor Apraxia; Ataxia-ocular apraxia-2. Identifiers: Orphanet 64753, MedGen C1853761, MONDO:0018996, OMIM 606002.
Inborn genetic diseases. Identifiers: MedGen C0950123, MeSH D030342.

Allele frequency attached by ClinVar (database versions not stated): ExAC 0.00001; gnomAD 0.00001; TOPMed 0.00002; gnomAD exomes 0.00004 and 0.00009.
gnomAD v4.1: 135 of 1,614,020 alleles (0.0084%); highest among the groups gnomAD compares: Non-Finnish European, 0.011%; no homozygotes.

Submissions (8):

Labcorp Genetics (formerly Invitae), Labcorp
Classification: Benign for Amyotrophic lateral sclerosis type 4; Spinocerebellar ataxia, autosomal recessive, with axonal neuropathy 2. Last evaluated: 2025-12-15. Review status: criteria provided, single submitter. Criteria: Invitae Variant Classification Sherloc (09022015). Collection method: clinical testing. Allele origin: germline.

Ambry Genetics
Classification: Uncertain significance for Inborn genetic diseases. Last evaluated: 2025-04-11. Review status: criteria provided, single submitter. Criteria: Ambry Variant Classification Scheme 2023. Collection method: clinical testing. Allele origin: germline.

Athena Diagnostics
Classification: Uncertain significance. Last evaluated: 2024-12-26. Review status: criteria provided, single submitter. Criteria: Athena Diagnostics Criteria. Collection method: clinical testing. Allele origin: unknown.
Comment: Available data are insufficient to determine the clinical significance of the variant at this time. The frequency of this variant in the general population is uninformative in assessment of its pathogenicity. Polyphen and MutationTaster yielded discordant predictions regarding whether this amino acid change is damaging to the protein.

Genome-Nilou Lab
Classification: Uncertain significance for Spinocerebellar ataxia, autosomal recessive, with axonal neuropathy 2. Last evaluated: 2023-02-08. Review status: criteria provided, single submitter. Criteria: ACMG Guidelines, 2015. Collection method: clinical testing. Allele origin: germline.

Genome-Nilou Lab
Classification: Uncertain significance for Amyotrophic lateral sclerosis type 4. Last evaluated: 2023-02-08. Review status: criteria provided, single submitter. Criteria: ACMG Guidelines, 2015. Collection method: clinical testing. Allele origin: germline.

Genome Diagnostics Laboratory, The Hospital for Sick Children
Classification: Uncertain significance for Hereditary spastic paraplegia. Last evaluated: 2020-12-16. Review status: criteria provided, single submitter. Criteria: ACMG Guidelines, 2015. Collection method: clinical testing. Allele origin: germline. Affected: yes.

Clinical Genetics DNA and cytogenetics Diagnostics Lab, Erasmus MC, Erasmus Medical Center
Classification: Likely benign. Review status: no assertion criteria provided. Collection method: clinical testing. Allele origin: germline. Affected: yes. Study: VKGL Data-share Consensus. Not counted in ClinVar's aggregate classification.

Genome Diagnostics Laboratory, Amsterdam University Medical Center
Classification: Likely benign. Review status: no assertion criteria provided. Collection method: clinical testing. Allele origin: germline. Affected: yes. Study: VKGL Data-share Consensus. Not counted in ClinVar's aggregate classification.

NM_015046.7(SETX):c.3410G>A (p.Gly1137Asp)

Gene: SETX (senataxin; minus strand). Cytogenetic location: 9q34.13.
Variant type: single nucleotide variant.
Coding change: c.3410G>A on transcript NM_015046.7 (MANE Select); coding-DNA position 3410, G replaced by A.
Protein change: p.Gly1137Asp; replaces glycine 1137 with aspartic acid.
Molecular consequence: missense variant.
Genome position (GRCh38, 1-based): chr9:132,328,188, C>T on the plus strand (G>A on the coding strand, the complement: SETX is on the minus strand). VCF-style: chr9-132328188-C-T. GRCh37 (hg19) VCF-style: chr9-135203575-C-T.
Other names: c.3410G>A, p.Gly1137Asp (NM_001351527.2, NM_001351528.2); short protein forms G1137D.
Identifiers: ClinVar variation 1210045 (VCV001210045.13), dbSNP rs62576475, ClinGen allele CA5297410.